The following is an entry in ClinVar:

ClinVar aggregate classification (germline): Uncertain significance (1 of 4 stars; one submission).

Submission:

GeneDx
Classification: Uncertain significance. Last evaluated: 2021-04-13. Review status: criteria provided, single submitter. Criteria: GeneDx Variant Classification Process June 2021. Collection method: clinical testing. Allele origin: germline. Affected: yes.
Comment: Not observed in large population cohorts (Lek et al., 2016); In silico analysis supports that this missense variant does not alter protein structure/function; Has not been previously published as pathogenic or benign to our knowledge

NM_025114.4(CEP290):c.2515A>T (p.Thr839Ser)

Gene: CEP290 (centrosomal protein 290; minus strand). Cytogenetic location: 12q21.32.
Variant type: single nucleotide variant.
Coding change: c.2515A>T on transcript NM_025114.4 (MANE Select); coding-DNA position 2515, A replaced by T.
Protein change: p.Thr839Ser; replaces threonine 839 with serine.
Molecular consequence: missense variant.
Genome position (GRCh38, 1-based): chr12:88,107,067, T>A on the plus strand (A>T on the coding strand, the complement: CEP290 is on the minus strand). VCF-style: chr12-88107067-T-A. GRCh37 (hg19) VCF-style: chr12-88500844-T-A.
Other names: short protein forms T839S.
Identifiers: ClinVar variation 1314835 (VCV001314835.2), dbSNP rs1227513489, ClinGen allele CA385972043.